The following is an entry in ClinVar:

NM_002184.4(IL6ST):c.736A>G (p.Asn246Asp)

Gene: IL6ST (interleukin 6 cytokine family signal transducer; minus strand). Cytogenetic location: 5q11.2.
Variant type: single nucleotide variant.
Coding change: c.736A>G on transcript NM_002184.4 (MANE Select); coding-DNA position 736, A replaced by G.
Protein change: p.Asn246Asp; replaces asparagine 246 with aspartic acid.
Molecular consequence: missense variant. On other transcripts: 5 prime UTR variant (3), non-coding transcript variant (2).
Genome position (GRCh38, 1-based): chr5:55,963,429, T>C on the plus strand (A>G on the coding strand, the complement: IL6ST is on the minus strand). VCF-style: chr5-55963429-T-C. GRCh37 (hg19) VCF-style: chr5-55259257-T-C.
Other names: c.526A>G, p.Asn176Asp (NM_001364276.2); c.-178A>G (NM_001364277.2, NM_001364279.2); c.-168A>G (NM_001364278.2); c.736A>G, p.Asn246Asp (NM_175767.3, NM_001190981.2, NM_001364275.2); short protein forms N176D, N246D.
Identifiers: ClinVar variation 3032318 (VCV003032318.5), dbSNP rs780160178, ClinGen allele CA3271626.

ClinVar aggregate classification (germline): Uncertain significance. Review status: criteria provided, multiple submitters, no conflicts (2 of 4 stars). 3 submissions from 3 submitters: Uncertain significance (2). 1 of the submissions does not count toward it. Last evaluated 2024-06-25.

Conditions:
IL6ST-related disorder. Also called: IL6ST-related condition.

Allele frequency attached by ClinVar (database versions not stated): gnomAD exomes 0.00001; TOPMed 0.00001; ExAC 0.00002.
gnomAD v4.1: 13 of 1,602,232 alleles (0.00081%); highest among the groups gnomAD compares: Middle Eastern, 0.034%; no homozygotes.

Submissions (3):

Ambry Genetics
Classification: Uncertain significance. Last evaluated: 2024-06-25. Review status: criteria provided, single submitter. Criteria: Ambry Variant Classification Scheme 2023. Collection method: clinical testing. Allele origin: germline.

Labcorp Genetics (formerly Invitae), Labcorp
Classification: Uncertain significance. Last evaluated: 2024-04-25. Review status: criteria provided, single submitter. Criteria: Invitae Variant Classification Sherloc (09022015). Collection method: clinical testing. Allele origin: germline.
Comment: This sequence change replaces asparagine, which is neutral and polar, with aspartic acid, which is acidic and polar, at codon 246 of the IL6ST protein (p.Asn246Asp). This variant is present in population databases (rs780160178, gnomAD 0.004%). This variant has not been reported in the literature in individuals affected with IL6ST-related conditions. Algorithms developed to predict the effect of missense changes on protein structure and function output the following: SIFT: "Not Available"; PolyPhen-2: "Benign"; Align-GVGD: "Not Available". The aspartic acid amino acid residue is found in multiple mammalian species, which suggests that this missense change does not adversely affect protein function. In summary, the available evidence is currently insufficient to determine the role of this variant in disease. Therefore, it has been classified as a Variant of Uncertain Significance.

PreventionGenetics, part of Exact Sciences
Classification: Uncertain significance for IL6ST-related condition. Last evaluated: 2024-01-17. Review status: no assertion criteria provided. Collection method: clinical testing. Allele origin: germline. Not counted in ClinVar's aggregate classification.
Comment: The IL6ST c.736A>G variant is predicted to result in the amino acid substitution p.Asn246Asp. To our knowledge, this variant has not been reported in the literature. This variant is reported in 0.0035% of alleles in individuals of European (Non-Finnish) descent in gnomAD. At this time, the clinical significance of this variant is uncertain due to the absence of conclusive functional and genetic evidence.